The following is an entry in ClinVar:

ClinVar aggregate classification (germline): Uncertain significance (1 of 4 stars; one submission).

Conditions:
Leukodystrophy, hypomyelinating, 16. Identifiers: MedGen C4693779, MONDO:0054791, OMIM 617964.

Allele frequency attached by ClinVar (database versions not stated): gnomAD 0.00001; gnomAD exomes 0.00001.
gnomAD v4.1: 9 of 1,613,948 alleles (0.00056%); highest among the groups gnomAD compares: South Asian, 0.0099%; no homozygotes.

Submission:

Neuberg Centre For Genomic Medicine, NCGM
Classification: Uncertain significance for Leukodystrophy, hypomyelinating, 16. Review status: criteria provided, single submitter. Criteria: ACMG Guidelines, 2015. Collection method: clinical testing. Allele origin: germline. Inheritance: Autosomal dominant inheritance. Affected: yes.
Comment: The missense variant c.167G>T (p.Arg56Ile) in TMEM106B gene has not been reported previously as a pathogenic variant nor as a benign variant, to our knowledge. The p.Arg56Ile variant is novel (not in any individuals) in 1000 Genomes and allele frequency of 0.0007956% is reported in gnomAD. The amino acid Arg at position 56 is changed to a Ile changing protein sequence and it might alter its composition and physico-chemical properties. The variant is predicted to be damaging by both SIFT and PolyPhen2. The residue is conserved across species. The amino acid change p.Arg56Ile in TMEM106B is predicted as conserved by GERP++ and PhyloP across 100 vertebrates. For these reasons, this variant has been classified as Uncertain Significance.

NM_001134232.2(TMEM106B):c.167G>T (p.Arg56Ile)

Gene: TMEM106B (transmembrane protein 106B; plus strand). Cytogenetic location: 7p21.3.
Variant type: single nucleotide variant.
Coding change: c.167G>T on transcript NM_001134232.2 (MANE Select); coding-DNA position 167, G replaced by T.
Protein change: p.Arg56Ile; replaces arginine 56 with isoleucine.
Molecular consequence: missense variant.
Genome position (GRCh38, 1-based): chr7:12,214,977, G>T. VCF-style: chr7-12214977-G-T. GRCh37 (hg19) VCF-style: chr7-12254603-G-T.
Other names: c.167G>T, p.Arg56Ile (NM_018374.4); short protein forms R56I.
Identifiers: ClinVar variation 2585394 (VCV002585394.1), dbSNP rs1193564382, ClinGen allele CA366853801.